The following is an entry in ClinVar:

ClinVar aggregate classification (germline): Uncertain significance (1 of 4 stars; one submission).

Allele frequency attached by ClinVar (database versions not stated): gnomAD 0.00001; TOPMed 0.00003.

Submission:

Labcorp Genetics (formerly Invitae), Labcorp
Classification: Uncertain significance. Last evaluated: 2024-11-05. Review status: criteria provided, single submitter. Criteria: Invitae Variant Classification Sherloc (09022015). Collection method: clinical testing. Allele origin: germline.
Comment: This sequence change replaces glutamic acid, which is acidic and polar, with alanine, which is neutral and non-polar, at codon 214 of the LSS protein (p.Glu214Ala). This variant is not present in population databases (gnomAD no frequency). This variant has not been reported in the literature in individuals affected with LSS-related conditions. ClinVar contains an entry for this variant (Variation ID: 2712995). An algorithm developed to predict the effect of missense changes on protein structure and function (PolyPhen-2) suggests that this variant is likely to be disruptive. In summary, the available evidence is currently insufficient to determine the role of this variant in disease. Therefore, it has been classified as a Variant of Uncertain Significance.

NM_002340.6(LSS):c.641A>C (p.Glu214Ala)

Gene: LSS (lanosterol synthase; minus strand). Cytogenetic location: 21q22.3.
Variant type: single nucleotide variant.
Coding change: c.641A>C on transcript NM_002340.6 (MANE Select); coding-DNA position 641, A replaced by C.
Protein change: p.Glu214Ala; replaces glutamic acid 214 with alanine.
Molecular consequence: missense variant.
Genome position (GRCh38, 1-based): chr21:46,219,482, T>G on the plus strand (A>C on the coding strand, the complement: LSS is on the minus strand). VCF-style: chr21-46219482-T-G. GRCh37 (hg19) VCF-style: chr21-47639396-T-G.
Other names: c.641A>C, p.Glu214Ala (NM_001001438.3); c.608A>C, p.Glu203Ala (NM_001145436.2); c.401A>C, p.Glu134Ala (NM_001145437.2); short protein forms E214A, E134A, E203A.
Identifiers: ClinVar variation 2712995 (VCV002712995.3), dbSNP rs1321788766, ClinGen allele CA410522847.